The following is an entry in ClinVar:

NM_025265.4(TSEN2):c.1390G>C (p.Asp464His)

Gene: TSEN2 (tRNA splicing endonuclease subunit 2; plus strand). Cytogenetic location: 3p25.2.
Variant type: single nucleotide variant.
Coding change: c.1390G>C on transcript NM_025265.4 (MANE Select); coding-DNA position 1390, G replaced by C.
Protein change: p.Asp464His; replaces aspartic acid 464 with histidine.
Molecular consequence: missense variant. On other transcripts: non-coding transcript variant (1), intron variant (1).
Genome position (GRCh38, 1-based): chr3:12,532,713, G>C. VCF-style: chr3-12532713-G-C. GRCh37 (hg19) VCF-style: chr3-12574212-G-C.
Other names: c.1390G>C, p.Asp464His (NM_001145392.2, NM_001321277.2); c.1312G>C, p.Asp438His (NM_001145393.3, NM_001321279.2); c.1213G>C, p.Asp405His (NM_001145394.2); c.1338+1054G>C (NM_001321278.2); short protein forms D438H, D464H, D405H.
Identifiers: ClinVar variation 2881848 (VCV002881848.3), dbSNP rs756311688, ClinGen allele CA351478592.

ClinVar aggregate classification (germline): Uncertain significance (1 of 4 stars; one submission).

gnomAD v4.1: 1 of 1,614,062 alleles (0.000062%); highest among the groups gnomAD compares: South Asian, 0.0011%; no homozygotes.

Submission:

Labcorp Genetics (formerly Invitae), Labcorp
Classification: Uncertain significance. Last evaluated: 2022-11-06. Review status: criteria provided, single submitter. Criteria: Invitae Variant Classification Sherloc (09022015). Collection method: clinical testing. Allele origin: germline.
Comment: This sequence change replaces aspartic acid, which is acidic and polar, with histidine, which is basic and polar, at codon 464 of the TSEN2 protein (p.Asp464His). In summary, the available evidence is currently insufficient to determine the role of this variant in disease. Therefore, it has been classified as a Variant of Uncertain Significance. Algorithms developed to predict the effect of missense changes on protein structure and function are either unavailable or do not agree on the potential impact of this missense change (SIFT: "Deleterious"; PolyPhen-2: "Possibly Damaging"; Align-GVGD: "Class C0"). This variant has not been reported in the literature in individuals affected with TSEN2-related conditions. This variant is not present in population databases (gnomAD no frequency).